The following is an entry in ClinVar:

NM_000017.4(ACADS):c.460C>T (p.Leu154Phe)

Gene: ACADS (acyl-CoA dehydrogenase short chain; plus strand). Cytogenetic location: 12q24.31.
Variant type: single nucleotide variant.
Coding change: c.460C>T on transcript NM_000017.4 (MANE Select); coding-DNA position 460, C replaced by T.
Protein change: p.Leu154Phe; replaces leucine 154 with phenylalanine.
Molecular consequence: missense variant.
Genome position (GRCh38, 1-based): chr12:120,737,455, C>T. VCF-style: chr12-120737455-C-T. GRCh37 (hg19) VCF-style: chr12-121175258-C-T.
Other names: c.460C>T, p.Leu154Phe (NM_001302554.2); short protein forms L154F.
Identifiers: ClinVar variation 460388 (VCV000460388.9), dbSNP rs368500899, ClinGen allele CA6830887.

ClinVar aggregate classification (germline): Uncertain significance. Review status: criteria provided, multiple submitters, no conflicts (2 of 4 stars). 2 submissions from 2 submitters: Uncertain significance (2). Last evaluated 2023-12-11.

Conditions:
Deficiency of butyryl-CoA dehydrogenase (ACADSD). Also called: SCADH DEFICIENCY; SCAD DEFICIENCY, MILD; ACYL-CoA DEHYDROGENASE, SHORT-CHAIN, DEFICIENCY OF; ACADS DEFICIENCY; Short-Chain Acyl-CoA Dehydrogenase Deficiency; SCAD Deficiency. Identifiers: Orphanet 26792, MedGen C0342783, MONDO:0008722, OMIM 201470. Disease mechanism: May be benign.

Allele frequency attached by ClinVar (database versions not stated): TOPMed below 0.00001; ExAC 0.00001; gnomAD 0.00001; ESP Exome Variant Server 0.00008.

Submissions (2):

Labcorp Genetics (formerly Invitae), Labcorp
Classification: Uncertain significance for Deficiency of butyryl-CoA dehydrogenase. Last evaluated: 2023-12-11. Review status: criteria provided, single submitter. Criteria: Invitae Variant Classification Sherloc (09022015). Collection method: clinical testing. Allele origin: germline.
Comment: This sequence change replaces leucine, which is neutral and non-polar, with phenylalanine, which is neutral and non-polar, at codon 154 of the ACADS protein (p.Leu154Phe). This variant is present in population databases (rs368500899, gnomAD 0.002%). This variant has not been reported in the literature in individuals affected with ACADS-related conditions. ClinVar contains an entry for this variant (Variation ID: 460388). Advanced modeling of protein sequence and biophysical properties (such as structural, functional, and spatial information, amino acid conservation, physicochemical variation, residue mobility, and thermodynamic stability) has been performed at Invitae for this missense variant, however the output from this modeling did not meet the statistical confidence thresholds required to predict the impact of this variant on ACADS protein function. In summary, the available evidence is currently insufficient to determine the role of this variant in disease. Therefore, it has been classified as a Variant of Uncertain Significance.

Women's Health and Genetics/Laboratory Corporation of America, LabCorp
Classification: Uncertain significance. Last evaluated: 2023-10-04. Review status: criteria provided, single submitter. Criteria: LabCorp Variant Classification Summary - May 2015. Collection method: clinical testing. Allele origin: germline.
Comment: Variant summary: ACADS c.460C>T (p.Leu154Phe) results in a non-conservative amino acid change located in the Acyl-CoA oxidase/dehydrogenase, middle domain (IPR006091) of the encoded protein sequence. Five of five in-silico tools predict a damaging effect of the variant on protein function. The variant allele was found at a frequency of 8e-06 in 251158 control chromosomes (gnomAD). The available data on variant occurrences in the general population are insufficient to allow any conclusion about variant significance. c.460C>T has been reported in the literature in the heterozygous state following WES in an individual with developmental delay (Salfati_2019). This report does not provide unequivocal conclusions about association of the variant with Deficiency Of Butyryl-CoA Dehydrogenase. To our knowledge, no experimental evidence demonstrating an impact on protein function has been reported. The following publication has been ascertained in the context of this evaluation (PMID: 31847883). One submitter has cited clinical-significance assessments for this variant to ClinVar after 2014 and has classified the variant as uncertain significance. Based on the evidence outlined above, the variant was classified as uncertain significance.

Literature cited by the submitters: PubMed 31847883 (cited by Women's Health and Genetics/Laboratory Corporation of America, LabCorp).